The following is an entry in ClinVar:

NM_004415.4(DSP):c.6010G>C (p.Val2004Leu)

Gene: DSP (desmoplakin; plus strand). Cytogenetic location: 6p24.3.
Variant type: single nucleotide variant.
Coding change: c.6010G>C on transcript NM_004415.4 (MANE Select); coding-DNA position 6010, G replaced by C.
Protein change: p.Val2004Leu; replaces valine 2004 with leucine.
Molecular consequence: missense variant.
Genome position (GRCh38, 1-based): chr6:7,583,272, G>C. VCF-style: chr6-7583272-G-C. GRCh37 (hg19) VCF-style: chr6-7583505-G-C.
Other names: c.4213G>C, p.Val1405Leu (NM_001008844.3); c.4681G>C, p.Val1561Leu (NM_001319034.2); short protein forms V1561L, V2004L, V1405L.
Identifiers: ClinVar variation 2939085 (VCV002939085.3), dbSNP rs764692193, ClinGen allele CA362689901.

ClinVar aggregate classification (germline): Uncertain significance (1 of 4 stars; one submission).

Conditions:
Arrhythmogenic right ventricular dysplasia 8 (ARVD8). Also called: Arrhythmogenic Right Ventricular Dysplasia/Cardiomyopathy 8; ARRHYTHMOGENIC RIGHT VENTRICULAR DYSPLASIA, FAMILIAL, 8; ARRHYTHMOGENIC RIGHT VENTRICULAR CARDIOMYOPATHY 8. Identifiers: MedGen C1843896, MONDO:0011831, OMIM 607450.
Arrhythmogenic cardiomyopathy with wooly hair and keratoderma. Also called: PALMOPLANTAR KERATODERMA WITH LEFT VENTRICULAR CARDIOMYOPATHY AND WOOLLY HAIR; Carvajal syndrome; Dilated cardiomyopathy with woolly hair and keratoderma; Arrhythmogenic cardiomyopathy with woolly hair and keratoderma. Identifiers: Orphanet 65282, MedGen C1854063, MONDO:0011581, OMIM 605676.

Submission:

Labcorp Genetics (formerly Invitae), Labcorp
Classification: Uncertain significance for Arrhythmogenic cardiomyopathy with wooly hair and keratoderma; Arrhythmogenic right ventricular dysplasia 8. Last evaluated: 2022-12-17. Review status: criteria provided, single submitter. Criteria: Invitae Variant Classification Sherloc (09022015). Collection method: clinical testing. Allele origin: germline.
Comment: In summary, the available evidence is currently insufficient to determine the role of this variant in disease. Therefore, it has been classified as a Variant of Uncertain Significance. Algorithms developed to predict the effect of missense changes on protein structure and function are either unavailable or do not agree on the potential impact of this missense change (SIFT: "Deleterious"; PolyPhen-2: "Benign"; Align-GVGD: "Class C25"). This variant has not been reported in the literature in individuals affected with DSP-related conditions. This variant is not present in population databases (gnomAD no frequency). This sequence change replaces valine, which is neutral and non-polar, with leucine, which is neutral and non-polar, at codon 2004 of the DSP protein (p.Val2004Leu).